The following is an entry in ClinVar:

ClinVar aggregate classification (germline): Benign (0 of 4 stars; one submission).

Conditions:
THADA-related disorder. Also called: THADA-related condition.

Allele frequency attached by ClinVar (database versions not stated): ESP Exome Variant Server 0.00017; gnomAD exomes 0.00029; TOPMed 0.00067; gnomAD 0.00088; ExAC 0.00334; 1000 Genomes Project 30x 0.00578; 1000 Genomes Project 0.00599.
gnomAD v4.1: 575 of 1,517,926 alleles (0.038%); highest among the groups gnomAD compares: East Asian, 0.92%; 2 homozygotes.

Submission:

PreventionGenetics, part of Exact Sciences
Classification: Benign for THADA-related condition. Last evaluated: 2019-08-01. Review status: no assertion criteria provided. Collection method: clinical testing. Allele origin: germline.
Comment: This variant is classified as benign based on ACMG/AMP sequence variant interpretation guidelines (Richards et al. 2015 PMID: 25741868, with internal and published modifications).

NM_022065.5(THADA):c.1729+9A>T

Gene: THADA (THADA armadillo repeat containing; minus strand). Cytogenetic location: 2p21.
Variant type: single nucleotide variant.
Coding change: c.1729+9A>T on transcript NM_022065.5 (MANE Select); 9 bases into the intron after coding-DNA position 1729, A replaced by T.
Molecular consequence: intron variant.
Genome position (GRCh38, 1-based): chr2:43,574,327, T>A on the plus strand (A>T on the coding strand, the complement: THADA is on the minus strand). VCF-style: chr2-43574327-T-A. GRCh37 (hg19) VCF-style: chr2-43801466-T-A.
Other names: c.1609+9A>T (NM_001345924.2); c.1729+9A>T (NM_001345923.2, NM_001345925.2, NM_001083953.2 and 2 more transcripts).
Identifiers: ClinVar variation 3035798 (VCV003035798.2), dbSNP rs145031803, ClinGen allele CA1633250.
Genomic context (GRCh38, chr2:43,574,327, plus strand): 5'-ATCTGCATAGCTACCTACATTTAAGCATCATAATTAGAAACTACTAAAACAAAAATGCAT[T>A]TTTCTTACCAGTTTTAGCATCAATAGAAGTCTGAAGAATCTTTACCATGTACTGTAAGCT-3'